The following is an entry in ClinVar:

ClinVar aggregate classification (germline): Likely benign (0 of 4 stars; one submission).

Conditions:
SEMA3F-related disorder. Also called: SEMA3F-related condition.

gnomAD v4.1: 424 of 1,613,316 alleles (0.026%); highest among the groups gnomAD compares: Non-Finnish European, 0.034%; no homozygotes.

Submission:

PreventionGenetics, part of Exact Sciences
Classification: Likely benign for SEMA3F-related condition. Last evaluated: 2021-05-26. Review status: no assertion criteria provided. Collection method: clinical testing. Allele origin: germline.
Comment: This variant is classified as likely benign based on ACMG/AMP sequence variant interpretation guidelines (Richards et al. 2015 PMID: 25741868, with internal and published modifications).

NM_004186.5(SEMA3F):c.633G>A (p.Ser211=)

Gene: SEMA3F (semaphorin 3F; plus strand). Cytogenetic location: 3p21.31.
Variant type: single nucleotide variant.
Coding change: c.633G>A on transcript NM_004186.5 (MANE Select); coding-DNA position 633, G replaced by A.
Protein change: p.Ser211=; no amino-acid change (serine 211 retained).
Molecular consequence: synonymous variant.
Genome position (GRCh38, 1-based): chr3:50,176,851, G>A. VCF-style: chr3-50176851-G-A. GRCh37 (hg19) VCF-style: chr3-50214284-G-A.
Other names: c.336G>A, p.Ser112= (NM_001318798.2); c.540G>A, p.Ser180= (NM_001318800.2).
Identifiers: ClinVar variation 3348978 (VCV003348978.1).
Genomic context (GRCh38, chr3:50,176,851, plus strand): 5'-TGAGCGACTCGAGTCAGGGAAGGGCAAGTGTCCGTACGATCCCAAGCTGGACACAGCATC[G>A]GCCCTCATCAGTGAGTGCCCCCCAACCCCGCTCTACAGTCTCAATGTGTGGCCTCTGCCC-3'
Protein context (NP_004177.3, residues 201-221): CPYDPKLDTA[Ser211=]ALINEELYAG